The following is an entry in ClinVar:

NM_014055.4(IFT81):c.1310A>G (p.Gln437Arg)

Gene: IFT81 (intraflagellar transport 81; plus strand). Cytogenetic location: 12q24.11.
Variant type: single nucleotide variant.
Coding change: c.1310A>G on transcript NM_014055.4 (MANE Select); coding-DNA position 1310, A replaced by G.
Protein change: p.Gln437Arg; replaces glutamine 437 with arginine.
Molecular consequence: missense variant. On other transcripts: non-coding transcript variant (4).
Genome position (GRCh38, 1-based): chr12:110,180,543, A>G. VCF-style: chr12-110180543-A-G. GRCh37 (hg19) VCF-style: chr12-110618348-A-G.
Other names: c.1310A>G, p.Gln437Arg (NM_001143779.2); c.380A>G, p.Gln127Arg (NM_001347947.2, NM_001347948.2); short protein forms Q437R, Q127R.
Identifiers: ClinVar variation 2096670 (VCV002096670.4), dbSNP rs2499981565, ClinGen allele CA386916945.
Genomic context (GRCh38, chr12:110,180,543, plus strand): 5'-TAATAGCTGAACTTAAAGCTGAATTCGGTCTTTTGCAGAGGACTGAAGAACTTCTTAAGC[A>G]ACGTCATGAAAATATTCAACAACAACTGGTAATACAGTATTATCTTGGGCTACTATAAAT-3'
Protein context (NP_054774.2, residues 427-447): LLQRTEELLK[Gln437Arg]RHENIQQQLQ

ClinVar aggregate classification (germline): Uncertain significance (1 of 4 stars; one submission).

Allele frequency attached by ClinVar (database versions not stated): gnomAD exomes below 0.00001.
gnomAD v4.1: 1 of 1,606,028 alleles (0.000062%); highest among the groups gnomAD compares: South Asian, 0.0011%; no homozygotes.

Submission:

Labcorp Genetics (formerly Invitae), Labcorp
Classification: Uncertain significance. Last evaluated: 2022-02-11. Review status: criteria provided, single submitter. Criteria: Invitae Variant Classification Sherloc (09022015). Collection method: clinical testing. Allele origin: germline.
Comment: In summary, the available evidence is currently insufficient to determine the role of this variant in disease. Therefore, it has been classified as a Variant of Uncertain Significance. Algorithms developed to predict the effect of missense changes on protein structure and function are either unavailable or do not agree on the potential impact of this missense change (SIFT: "Deleterious"; PolyPhen-2: "Benign"; Align-GVGD: "Class C0"). This variant has not been reported in the literature in individuals affected with IFT81-related conditions. This variant is not present in population databases (gnomAD no frequency). This sequence change replaces glutamine, which is neutral and polar, with arginine, which is basic and polar, at codon 437 of the IFT81 protein (p.Gln437Arg).